The following is an entry in ClinVar:

ClinVar aggregate classification (germline): Conflicting classifications of pathogenicity. Review status: criteria provided, conflicting classifications (1 of 4 stars). 2 submissions from 2 submitters: Likely pathogenic (1); Uncertain significance (1). Last evaluated 2023-07-28.

Conditions:
Deficiency of UDPglucose-hexose-1-phosphate uridylyltransferase. Also called: GALACTOSEMIA I; GALACTOSE-1-PHOSPHATE URIDYLYLTRANSFERASE DEFICIENCY; GALT deficiency; Galactosemia, classic; Transferase Deficiency Galactosemia. Identifiers: Orphanet 352, Orphanet 79239, MedGen C0268151, MONDO:0009258, OMIM 230400.

Submissions (2):

Women's Health and Genetics/Laboratory Corporation of America, LabCorp
Classification: Uncertain significance. Last evaluated: 2023-07-28. Review status: criteria provided, single submitter. Criteria: LabCorp Variant Classification Summary - May 2015. Collection method: clinical testing. Allele origin: germline.
Comment: Variant summary: GALT c.815G>T (p.Arg272Leu) results in a non-conservative amino acid change in the encoded protein sequence. Four of five in-silico tools predict a damaging effect of the variant on protein function. The variant allele was found at a frequency of 4e-06 in 250824 control chromosomes. The available data on variant occurrences in the general population are insufficient to allow any conclusion about variant significance. To our knowledge, no occurrence of c.815G>T in individuals affected with Galactosemia and no experimental evidence demonstrating its impact on protein function have been reported. However, three other variants affecting the same codon (p.R272C, p.R272G, p.R272H) have been reported in the literature in individuals with Galactosaemia. One submitter has cited clinical-significance assessments for this variant to ClinVar after 2014 and has classified the variant as likely pathogenic. Based on the evidence outlined above, the variant was classified as VUS - possibly pathogenic.

Labcorp Genetics (formerly Invitae), Labcorp
Classification: Likely pathogenic for Deficiency of UDPglucose-hexose-1-phosphate uridylyltransferase. Last evaluated: 2023-07-16. Review status: criteria provided, single submitter. Criteria: Invitae Variant Classification Sherloc (09022015). Collection method: clinical testing. Allele origin: germline.
Comment: ClinVar contains an entry for this variant (Variation ID: 1993890). Advanced modeling of protein sequence and biophysical properties (such as structural, functional, and spatial information, amino acid conservation, physicochemical variation, residue mobility, and thermodynamic stability) performed at Invitae indicates that this missense variant is expected to disrupt GALT protein function. This variant disrupts the p.Arg272 amino acid residue in GALT. Other variant(s) that disrupt this residue have been determined to be pathogenic (PMID: 22944367; Invitae). This suggests that this residue is clinically significant, and that variants that disrupt this residue are likely to be disease-causing. In summary, the currently available evidence indicates that the variant is pathogenic, but additional data are needed to prove that conclusively. Therefore, this variant has been classified as Likely Pathogenic. This variant has not been reported in the literature in individuals affected with GALT-related conditions. This sequence change replaces arginine, which is basic and polar, with leucine, which is neutral and non-polar, at codon 272 of the GALT protein (p.Arg272Leu). This variant is present in population databases (no rsID available, gnomAD 0.003%).

Literature cited by the submitters: PubMed 22944367 (cited by Labcorp Genetics (formerly Invitae), Labcorp).

NM_000155.4(GALT):c.815G>T (p.Arg272Leu)

Gene: GALT (galactose-1-phosphate uridylyltransferase; plus strand). Cytogenetic location: 9p13.3.
Variant type: single nucleotide variant.
Coding change: c.815G>T on transcript NM_000155.4 (MANE Select); coding-DNA position 815, G replaced by T.
Protein change: p.Arg272Leu; replaces arginine 272 with leucine.
Molecular consequence: missense variant.
Genome position (GRCh38, 1-based): chr9:34,648,889, G>T. VCF-style: chr9-34648889-G-T. GRCh37 (hg19) VCF-style: chr9-34648886-G-T.
Other names: c.815G>T (NM_000155.3); c.488G>T, p.Arg163Leu (NM_001258332.2); short protein forms R163L, R272L.
Identifiers: ClinVar variation 1993890 (VCV001993890.5), dbSNP rs111033831, ClinGen allele CA373284047.